The following is an entry in ClinVar:

NM_000426.4(LAMA2):c.6520del (p.Asn2173_Val2174insTer)

Gene: LAMA2 (laminin subunit alpha 2; plus strand). Cytogenetic location: 6q22.33.
Variant type: Deletion.
Coding change: c.6520del on transcript NM_000426.4 (MANE Select); coding-DNA position 6520, one base deleted (G; older notation c.6520delG).
Protein change: p.Asn2173_Val2174insTer.
Molecular consequence: nonsense.
Genome position (GRCh38, 1-based): chr6:129,453,078, G deleted. VCF-style (leftmost placement, unchanged base first): chr6-129453077-CG-C. GRCh37 (hg19) VCF-style: chr6-129774222-CG-C.
Other names: c.6520del, p.Asn2173_Val2174insTer (NM_001079823.2).
Identifiers: ClinVar variation 435713 (VCV000435713.9), dbSNP rs776548207, ClinGen allele CA3994290.

ClinVar aggregate classification (germline): Pathogenic/Likely pathogenic. Review status: criteria provided, multiple submitters, no conflicts (2 of 4 stars). 2 submissions from 2 submitters: Pathogenic (1); Likely pathogenic (1). Last evaluated 2023-12-26.

Conditions:
LAMA2-related muscular dystrophy (LAMA2-RD). Also called: Laminin alpha 2-related dystrophy. Identifiers: MedGen C5679788, MONDO:0100228.
Congenital muscular dystrophy due to partial LAMA2 deficiency. Identifiers: MedGen C1842898.

Allele frequency attached by ClinVar (database versions not stated): gnomAD exomes below 0.00001 and 0.00001; ExAC 0.00002.

Submissions (2):

Labcorp Genetics (formerly Invitae), Labcorp
Classification: Pathogenic for LAMA2-related muscular dystrophy. Last evaluated: 2023-12-26. Review status: criteria provided, single submitter. Criteria: Invitae Variant Classification Sherloc (09022015). Collection method: clinical testing. Allele origin: germline.
Comment: This sequence change creates a premature translational stop signal (p.Val2174*) in the LAMA2 gene. It is expected to result in an absent or disrupted protein product. Loss-of-function variants in LAMA2 are known to be pathogenic (PMID: 18700894, 32904964). This variant is present in population databases (rs776548207, gnomAD 0.002%). This variant has not been reported in the literature in individuals affected with LAMA2-related conditions. ClinVar contains an entry for this variant (Variation ID: 435713). For these reasons, this variant has been classified as Pathogenic.

Genetic Services Laboratory, University of Chicago
Classification: Likely pathogenic for Muscular dystrophy, congenital, due to partial LAMA2 deficiency. Last evaluated: 2016-07-21. Review status: criteria provided, single submitter. Criteria: ACMG Guidelines, 2015. Collection method: clinical testing. Allele origin: germline. Affected: yes.

Literature cited by the submitters: PubMed 18700894 (cited by Labcorp Genetics (formerly Invitae), Labcorp); PubMed 32904964 (cited by Labcorp Genetics (formerly Invitae), Labcorp).